The following is an entry in ClinVar:

ClinVar aggregate classification (germline): Uncertain significance (1 of 4 stars; one submission).

Conditions:
Gastrointestinal stromal tumor. Also called: Gastrointestinal stroma tumor; Gastrointestinal stromal tumor, somatic. Identifiers: Orphanet 44890, MedGen C0238198, MeSH D046152, MONDO:0011719, OMIM 606764, HP:0100723.

Submission:

Labcorp Genetics (formerly Invitae), Labcorp
Classification: Uncertain significance for Gastrointestinal stromal tumor. Last evaluated: 2022-07-16. Review status: criteria provided, single submitter. Criteria: Invitae Variant Classification Sherloc (09022015). Collection method: clinical testing. Allele origin: germline.
Comment: This variant results in a copy number gain of the genomic region encompassing exon(s) 8-21 of the KIT gene. This region includes the termination codon of the gene. This copy number gain extends beyond the assayed region for this gene and therefore may encompass additional genes. As the precise location of this event is unknown, it may be in tandem or it may be located elsewhere in the genome. This variant has not been reported in the literature in individuals affected with KIT-related conditions. Experimental studies and prediction algorithms are not available or were not evaluated, and the functional significance of this variant is currently unknown. In summary, the available evidence is currently insufficient to determine the role of this variant in disease. Therefore, it has been classified as a Variant of Uncertain Significance.

NC_000004.11:g.(?_55589740)_(55604723_?)dup

Gene: KIT (KIT proto-oncogene, receptor tyrosine kinase; plus strand). Cytogenetic location: 4q12.
Variant type: Duplication.
Identifiers: ClinVar variation 2422606 (VCV002422606.10).